The following is an entry in ClinVar:

NM_006206.6(PDGFRA):c.932-4A>G

Gene: PDGFRA (platelet derived growth factor receptor alpha; plus strand). Cytogenetic location: 4q12.
Variant type: single nucleotide variant.
Coding change: c.932-4A>G on transcript NM_006206.6 (MANE Select); 4 bases into the intron before coding-DNA position 932, A replaced by G.
Molecular consequence: intron variant.
Genome position (GRCh38, 1-based): chr4:54,267,548, A>G. VCF-style: chr4-54267548-A-G. GRCh37 (hg19) VCF-style: chr4-55133715-A-G.
Other names: c.1007-4A>G (NM_001347828.2); c.932-4A>G (NM_001347827.2, NM_001347829.2); c.971-4A>G (NM_001347830.2).
Identifiers: ClinVar variation 348897 (VCV000348897.23), dbSNP rs78405886, ClinGen allele CA2922436.

ClinVar aggregate classification (germline): Benign. Review status: criteria provided, multiple submitters, no conflicts (2 of 4 stars). 7 submissions from 6 submitters: Benign (7). Last evaluated 2026-06-16.

Conditions:
Polyps, multiple and recurrent inflammatory fibroid, gastrointestinal. Identifiers: MedGen C5193005, MONDO:0008285, OMIM 175510.
Hereditary cancer-predisposing syndrome. Also called: Tumor predisposition; Neoplastic Syndromes, Hereditary; Hereditary Cancer Syndrome; Hereditary neoplastic syndrome. Identifiers: Orphanet 140162, MedGen C0027672, MeSH D009386, MONDO:0015356.
Idiopathic hypereosinophilic syndrome (HES). Identifiers: Orphanet 3260, MedGen C0206141, MONDO:0011895, OMIM 607685. Disease mechanism: gain of function.
Gastrointestinal stromal tumor. Also called: Gastrointestinal stromal tumor, somatic; Gastrointestinal stroma tumor. Identifiers: Orphanet 44890, MedGen C0238198, MeSH D046152, MONDO:0011719, OMIM 606764, HP:0100723.

Allele frequency attached by ClinVar (database versions not stated): gnomAD exomes 0.00829; ExAC 0.01030; gnomAD 0.03212 and 0.03447; ESP Exome Variant Server 0.03383; 1000 Genomes Project 0.03574; 1000 Genomes Project 30x 0.03576; TOPMed 0.03607.
gnomAD v4.1: 9,597 of 1,614,094 alleles (0.59%); highest among the groups gnomAD compares: African/African-American, 11%; 515 homozygotes.

Submissions (7):

Myriad Genetics, Inc.
Classification: Benign for Polyps, multiple and recurrent inflammatory fibroid, gastrointestinal. Last evaluated: 2026-06-16. Review status: criteria provided, single submitter. Criteria: Myriad Autosomal Dominant, Autosomal Recessive and X-Linked Classification Criteria (2023). Collection method: clinical testing. Allele origin: unknown.
Comment: This variant is considered benign. This variant is intronic and is not expected to impact mRNA splicing. This variant has been observed at a population frequency that is significantly greater than expected given the associated disease prevalence and penetrance.

Labcorp Genetics (formerly Invitae), Labcorp
Classification: Benign for Gastrointestinal stromal tumor. Last evaluated: 2026-02-04. Review status: criteria provided, single submitter. Criteria: Invitae Variant Classification Sherloc (09022015). Collection method: clinical testing. Allele origin: germline.

Ambry Genetics
Classification: Benign for Hereditary cancer-predisposing syndrome. Last evaluated: 2019-05-09. Review status: criteria provided, single submitter. Criteria: Ambry Variant Classification Scheme 2023. Collection method: clinical testing. Allele origin: germline.

GeneDx
Classification: Benign. Last evaluated: 2018-06-22. Review status: criteria provided, single submitter. Criteria: GeneDx Variant Classification Process June 2021. Collection method: clinical testing. Allele origin: germline. Affected: yes.

Illumina Laboratory Services, Illumina
Classification: Benign for Gastrointestinal stromal tumor. Last evaluated: 2018-01-13. Review status: criteria provided, single submitter. Criteria: ICSL Variant Classification Criteria 13 December 2019. Collection method: clinical testing. Allele origin: germline.
Comment: This variant was observed in the ICSL laboratory as part of a predisposition screen in an ostensibly healthy population. It had not been previously curated by ICSL or reported in the Human Gene Mutation Database (HGMD: prior to June 1st, 2018), and was therefore a candidate for classification through an automated scoring system. Utilizing variant allele frequency, disease prevalence and penetrance estimates, and inheritance mode, an automated score was calculated to assess if this variant is too frequent to cause the disease. Based on the score and internal cut-off values, a variant classified as benign is not then subjected to further curation. The score for this variant resulted in a classification of benign for this disease.

Illumina Laboratory Services, Illumina
Classification: Benign for Idiopathic hypereosinophilic syndrome. Last evaluated: 2018-01-13. Review status: criteria provided, single submitter. Criteria: ICSL Variant Classification Criteria 13 December 2019. Collection method: clinical testing. Allele origin: germline.
Comment: the same text as in the submission from Illumina Laboratory Services, Illumina above.

Breakthrough Genomics
Classification: Benign. Review status: criteria provided, single submitter. Criteria: ACMG Guidelines, 2015. Collection method: not provided. Allele origin: germline. Inheritance: Autosomal dominant inheritance. Affected: yes.